The following is an entry in ClinVar:

ClinVar aggregate classification (germline): Uncertain significance (1 of 4 stars; one submission).

Submission:

Ambry Genetics
Classification: Uncertain significance. Last evaluated: 2021-10-26. Review status: criteria provided, single submitter. Criteria: Ambry Variant Classification Scheme 2023. Collection method: clinical testing. Allele origin: germline.
Comment: The p.V152L variant (also known as c.454G>T), located in coding exon 1 of the PALLD gene, results from a G to T substitution at nucleotide position 454. The valine at codon 152 is replaced by leucine, an amino acid with highly similar properties. This amino acid position is conserved. In addition, this alteration is predicted to be tolerated by in silico analysis. Since supporting evidence is limited at this time, the clinical significance of this alteration remains unclear.

NM_001166108.2(PALLD):c.454G>T (p.Val152Leu)

Gene: PALLD (palladin, cytoskeletal associated protein; plus strand). Cytogenetic location: 4q32.3.
Variant type: single nucleotide variant.
Coding change: c.454G>T on transcript NM_001166108.2 (MANE Select); coding-DNA position 454, G replaced by T.
Protein change: p.Val152Leu; replaces valine 152 with leucine.
Molecular consequence: missense variant.
Genome position (GRCh38, 1-based): chr4:168,511,958, G>T. VCF-style: chr4-168511958-G-T. GRCh37 (hg19) VCF-style: chr4-169433109-G-T.
Other names: c.454G>T, p.Val152Leu (NM_016081.4); short protein forms V152L.
Identifiers: ClinVar variation 1741434 (VCV001741434.2), dbSNP rs1458454631, ClinGen allele CA358726061.